The following is an entry in ClinVar:

ClinVar aggregate classification (germline): Uncertain significance. Review status: criteria provided, multiple submitters, no conflicts (2 of 4 stars). 4 submissions from 3 submitters: Uncertain significance (4). Last evaluated 2025-06-30.

Conditions:
Emery-Dreifuss muscular dystrophy 4, autosomal dominant (EDMD4). Also called: EMERY-DREIFUSS MUSCULAR DYSTROPHY 4 WITH VARIABLE FEATURES. Identifiers: Orphanet 261, MedGen C2751807, MONDO:0013071, OMIM 612998.
Autosomal recessive ataxia, Beauce type. Also called: Spinocerebellar ataxia, autosomal recessive 8; ATAXIA, RECESSIVE, OF BEAUCE; SYNE1 Deficiency; SYNE1-Related Autosomal Recessive Cerebellar Ataxia. Identifiers: Orphanet 88644, MedGen C1853116, MONDO:0012549, OMIM 610743.

gnomAD v4.1: 7 of 1,613,132 alleles (0.00043%); highest among the groups gnomAD compares: African/African-American, 0.0013%; no homozygotes.

Submissions (4):

Athena Diagnostics
Classification: Uncertain significance. Last evaluated: 2025-06-30. Review status: criteria provided, single submitter. Criteria: Athena Diagnostics Criteria. Collection method: clinical testing. Allele origin: unknown.
Comment: Available data are insufficient to determine the clinical significance of the variant at this time. This variant has not been reported in large, multi-ethnic general populations. Computational tools yielded predictions that this variant is unlikely to have an effect on normal RNA splicing.

Illumina Laboratory Services, Illumina
Classification: Uncertain significance for Emery-Dreifuss muscular dystrophy 4, autosomal dominant. Last evaluated: 2018-01-13. Review status: criteria provided, single submitter. Criteria: ICSL Variant Classification Criteria 13 December 2019. Collection method: clinical testing. Allele origin: germline.

Illumina Laboratory Services, Illumina
Classification: Uncertain significance for Autosomal recessive ataxia, Beauce type. Last evaluated: 2018-01-13. Review status: criteria provided, single submitter. Criteria: ICSL Variant Classification Criteria 13 December 2019. Collection method: clinical testing. Allele origin: germline.

Eurofins Ntd Llc (ga)
Classification: Uncertain significance. Last evaluated: 2016-05-13. Review status: criteria provided, single submitter. Criteria: EGL Classification Definitions 2015. Collection method: clinical testing. Allele origin: germline. Observed: 1 variant allele, 1 heterozygote.

NM_182961.4(SYNE1):c.22044+9C>T

Gene: SYNE1 (spectrin repeat containing nuclear envelope protein 1; minus strand). Cytogenetic location: 6q25.2.
Variant type: single nucleotide variant.
Coding change: c.22044+9C>T on transcript NM_182961.4 (MANE Select); 9 bases into the intron after coding-DNA position 22044, C replaced by T.
Molecular consequence: intron variant.
Genome position (GRCh38, 1-based): chr6:152,218,994, G>A on the plus strand (C>T on the coding strand, the complement: SYNE1 is on the minus strand). VCF-style: chr6-152218994-G-A. GRCh37 (hg19) VCF-style: chr6-152540129-G-A.
Other names: c.22044+9C>T (NM_182961.2); c.21831+9C>T (NM_033071.5).
Identifiers: ClinVar variation 288131 (VCV000288131.10), dbSNP rs774609945, ClinGen allele CA10605977.